The following is an entry in ClinVar:

ClinVar aggregate classification (germline): Uncertain significance. Review status: criteria provided, multiple submitters, no conflicts (2 of 4 stars). 2 submissions from 2 submitters: Uncertain significance (2). Last evaluated 2025-10-26.

Conditions:
ABCC8-related disorder.

Submissions (2):

Labcorp Genetics (formerly Invitae), Labcorp
Classification: Uncertain significance. Last evaluated: 2025-10-26. Review status: criteria provided, single submitter. Criteria: Invitae Variant Classification Sherloc (09022015). Collection method: clinical testing. Allele origin: germline.
Comment: This sequence change replaces serine, which is neutral and polar, with leucine, which is neutral and non-polar, at codon 1419 of the ABCC8 protein (p.Ser1419Leu). This variant is not present in population databases (gnomAD no frequency). This variant has not been reported in the literature in individuals affected with ABCC8-related conditions. Invitae Evidence Modeling of protein sequence and biophysical properties (such as structural, functional, and spatial information, amino acid conservation, physicochemical variation, residue mobility, and thermodynamic stability) indicates that this missense variant is expected to disrupt ABCC8 protein function with a positive predictive value of 95%. In summary, the available evidence is currently insufficient to determine the role of this variant in disease. Therefore, it has been classified as a Variant of Uncertain Significance.

PreventionGenetics, part of Exact Sciences
Classification: Uncertain significance for ABCC8-related condition. Last evaluated: 2025-04-14. Review status: criteria provided, single submitter. Criteria: ACMG Guidelines, 2015. Collection method: clinical testing. Allele origin: germline.
Comment: The ABCC8 c.4256C>T variant is predicted to result in the amino acid substitution p.Ser1419Leu. To our knowledge, this variant has not been reported in the literature or in a large population database (gnomAD), indicating this variant is rare. At this time, the clinical significance of this variant is uncertain due to the absence of conclusive functional and genetic evidence.

NM_000352.6(ABCC8):c.4256C>T (p.Ser1419Leu)

Gene: ABCC8 (ATP binding cassette subfamily C member 8; minus strand). Cytogenetic location: 11p15.1.
Variant type: single nucleotide variant.
Coding change: c.4256C>T on transcript NM_000352.6 (MANE Select); coding-DNA position 4256, C replaced by T.
Protein change: p.Ser1419Leu; replaces serine 1419 with leucine.
Molecular consequence: missense variant. On other transcripts: non-coding transcript variant (1).
Genome position (GRCh38, 1-based): chr11:17,395,661, G>A on the plus strand (C>T on the coding strand, the complement: ABCC8 is on the minus strand). VCF-style: chr11-17395661-G-A. GRCh37 (hg19) VCF-style: chr11-17417208-G-A.
Other names: c.4259C>T, p.Ser1420Leu (NM_001287174.3); c.4322C>T, p.Ser1441Leu (NM_001351295.2); c.4256C>T, p.Ser1419Leu (NM_001351296.2); c.4253C>T, p.Ser1418Leu (NM_001351297.2); c.4256C>T (NM_000352.4); short protein forms S1441L, S1418L, S1419L, S1420L.
Identifiers: ClinVar variation 4691959 (VCV004691959.2).